The following is an entry in ClinVar:

NM_004656.4(BAP1):c.1022dup (p.Ser341fs)

Gene: BAP1 (BRCA1 associated deubiquitinase 1; minus strand). Cytogenetic location: 3p21.1.
Variant type: Duplication.
Coding change: c.1022dup on transcript NM_004656.4 (MANE Select); coding-DNA position 1022, one base duplicated (G; older notation c.1022dupG).
Protein change: p.Ser341fs; shifts the reading frame from serine 341.
Molecular consequence: frameshift variant.
Genome position (GRCh38, 1-based): chr3:52,405,204, C duplicated on the plus strand (G on the coding strand, the reverse complement: BAP1 is on the minus strand). VCF-style (leftmost placement, unchanged base first): chr3-52405203-G-GC. GRCh37 (hg19) VCF-style: chr3-52439219-G-GC.
Other names: c.1022dupG (NM_004656.2); c.968dup, p.Ser323fs (NM_001410772.1); short protein forms S323fs, S341fs.
Identifiers: ClinVar variation 4826570 (VCV004826570.1).

ClinVar aggregate classification (germline): Pathogenic (1 of 4 stars; one submission).

Conditions:
Hereditary cancer-predisposing syndrome. Also called: Neoplastic Syndromes, Hereditary; Tumor predisposition; Hereditary Cancer Syndrome; Hereditary neoplastic syndrome. Identifiers: Orphanet 140162, MedGen C0027672, MeSH D009386, MONDO:0015356.

Submission:

Ambry Genetics
Classification: Pathogenic for Hereditary cancer-predisposing syndrome. Last evaluated: 2026-03-13. Review status: criteria provided, single submitter. Criteria: Ambry Variant Classification Scheme 2023. Collection method: clinical testing. Allele origin: germline.
Comment: The c.1022dupG pathogenic mutation, located in coding exon 11 of the BAP1 gene, results from a duplication of G at nucleotide position 1022, causing a translational frameshift with a predicted alternate stop codon (p.S341Rfs*57). This variant is considered to be rare based on population cohorts in the Genome Aggregation Database (gnomAD). This alteration is expected to result in loss of function by premature protein truncation or nonsense-mediated mRNA decay. As such, this alteration is interpreted as a disease-causing mutation.